The following is an entry in ClinVar:

ClinVar aggregate classification (germline): Likely benign (1 of 4 stars; one submission).

Allele frequency attached by ClinVar (database versions not stated): gnomAD exomes below 0.00001; gnomAD 0.00001; TOPMed 0.00002; ESP Exome Variant Server 0.00008.
gnomAD v4.1: 5 of 1,613,842 alleles (0.00031%); highest among the groups gnomAD compares: African/African-American, 0.0053%; no homozygotes.

Submission:

GeneDx
Classification: Likely benign. Last evaluated: 2018-04-06. Review status: criteria provided, single submitter. Criteria: GeneDx Variant Classification (06012015). Collection method: clinical testing. Allele origin: germline. Affected: yes.
Comment: This variant is considered likely benign or benign based on one or more of the following criteria: it is a conservative change, it occurs at a poorly conserved position in the protein, it is predicted to be benign by multiple in silico algorithms, and/or has population frequency not consistent with disease.

NM_006886.4(ATP5F1E):c.114T>C (p.Thr38=)

Genes: ATP5F1E (ATP synthase F1 subunit epsilon; minus strand), SLMO2-ATP5E (SLMO2-ATP5E readthrough; minus strand). Cytogenetic location: 20q13.32.
Variant type: single nucleotide variant.
Coding change: c.114T>C on transcript NM_006886.4 (MANE Select); coding-DNA position 114, T replaced by C.
Protein change: p.Thr38=; no amino-acid change (threonine 38 retained).
Molecular consequence: synonymous variant. On other transcripts: non-coding transcript variant (2).
Genome position (GRCh38, 1-based): chr20:59,030,348, A>G on the plus strand (T>C on the coding strand, the complement: ATP5F1E is on the minus strand). VCF-style: chr20-59030348-A-G. GRCh37 (hg19) VCF-style: chr20-57605403-A-G.
Identifiers: ClinVar variation 680911 (VCV000680911.1), dbSNP rs374383553, ClinGen allele CA316336218.
Genomic context (GRCh38, chr20:59,030,348, plus strand): 5'-AAATCCATAACTTACAGATTATTCCTTCTTTACTTTCACAATTTTTACGTTGCTGCCAGA[A>G]GTCTTCTCAGCATTTGCTTTGAATTCTGTCTTCAGTGCATCTCTCACTGCTTTTGCACAG-3'
Protein context (NP_008817.1, residues 28-48): KTEFKANAEK[Thr38=]SGSNVKIVKV